The following is an entry in ClinVar:

ClinVar aggregate classification (germline): Pathogenic/Likely pathogenic. Review status: criteria provided, multiple submitters, no conflicts (2 of 4 stars). 2 submissions from 2 submitters: Pathogenic (1); Likely pathogenic (1). Last evaluated 2024-12-10.

Conditions:
BMPR2-related disorder. Also called: BMPR2-related disorders; BMPR2-related condition.
Primary pulmonary hypertension. Also called: Idiopathic pulmonary hypertension. Identifiers: MedGen C0152171.

Submissions (2):

Labcorp Genetics (formerly Invitae), Labcorp
Classification: Pathogenic for Primary pulmonary hypertension. Last evaluated: 2024-12-10. Review status: criteria provided, single submitter. Criteria: Invitae Variant Classification Sherloc (09022015). Collection method: clinical testing. Allele origin: germline.
Comment: This sequence change creates a premature translational stop signal (p.Thr493Serfs*5) in the BMPR2 gene. It is expected to result in an absent or disrupted protein product. Loss-of-function variants in BMPR2 are known to be pathogenic (PMID: 16429395). This variant is not present in population databases (gnomAD no frequency). This variant has not been reported in the literature in individuals affected with BMPR2-related conditions. For these reasons, this variant has been classified as Pathogenic.

Blueprint Genetics
Classification: Likely pathogenic for BMPR2-related disorders. Last evaluated: 2021-10-14. Review status: criteria provided, single submitter. Criteria: ACMG Guidelines, 2015. Collection method: clinical testing. Allele origin: germline. Affected: yes. Observed: 1 variant allele.

Literature cited by the submitters: PubMed 16429395 (cited by Labcorp Genetics (formerly Invitae), Labcorp).

NM_001204.7(BMPR2):c.1478_1479del (p.Thr493fs)

Gene: BMPR2 (bone morphogenetic protein receptor type 2; plus strand). Cytogenetic location: 2q33.2.
Variant type: Deletion.
Coding change: c.1478_1479del on transcript NM_001204.7 (MANE Select); coding-DNA positions 1478 to 1479, 2 bases deleted (CT; older notation c.1478_1479delCT).
Protein change: p.Thr493fs; shifts the reading frame from threonine 493.
Molecular consequence: frameshift variant.
Genome position (GRCh38, 1-based): chr2:202,552,780-202,552,781, CT deleted. VCF-style (leftmost placement, unchanged base first): chr2-202552779-ACT-A. GRCh37 (hg19) VCF-style: chr2-203417502-ACT-A.
Other names: short protein forms T493fs.
Identifiers: ClinVar variation 3726979 (VCV003726979.3).